The following is an entry in ClinVar:

NM_002256.4(KISS1):c.155C>T (p.Pro52Leu)

Gene: KISS1 (KiSS-1 metastasis suppressor; minus strand). Cytogenetic location: 1q32.1.
Variant type: single nucleotide variant.
Coding change: c.155C>T on transcript NM_002256.4 (MANE Select); coding-DNA position 155, C replaced by T.
Protein change: p.Pro52Leu; replaces proline 52 with leucine.
Molecular consequence: missense variant.
Genome position (GRCh38, 1-based): chr1:204,190,746, G>A on the plus strand (C>T on the coding strand, the complement: KISS1 is on the minus strand). VCF-style: chr1-204190746-G-A. GRCh37 (hg19) VCF-style: chr1-204159874-G-A.
Other names: short protein forms P52L.
Identifiers: ClinVar variation 2820659 (VCV002820659.3), dbSNP rs1194935052, ClinGen allele CA344346885.

ClinVar aggregate classification (germline): Uncertain significance (1 of 4 stars; one submission).

gnomAD v4.1: 2 of 1,610,996 alleles (0.00012%); highest among the groups gnomAD compares: South Asian, 0.0011%; no homozygotes.

Submission:

Labcorp Genetics (formerly Invitae), Labcorp
Classification: Uncertain significance. Last evaluated: 2023-10-22. Review status: criteria provided, single submitter. Criteria: Invitae Variant Classification Sherloc (09022015). Collection method: clinical testing. Allele origin: germline.
Comment: This sequence change replaces proline, which is neutral and non-polar, with leucine, which is neutral and non-polar, at codon 52 of the KISS1 protein (p.Pro52Leu). This variant is not present in population databases (gnomAD no frequency). This variant has not been reported in the literature in individuals affected with KISS1-related conditions. An algorithm developed to predict the effect of missense changes on protein structure and function (PolyPhen-2) suggests that this variant is likely to be tolerated. In summary, the available evidence is currently insufficient to determine the role of this variant in disease. Therefore, it has been classified as a Variant of Uncertain Significance.